The following is an entry in ClinVar:

NM_000554.6(CRX):c.*2171C>T

Gene: CRX (cone-rod homeobox; plus strand). Cytogenetic location: 19q13.33.
Variant type: single nucleotide variant.
Coding change: c.*2171C>T on transcript NM_000554.6 (MANE Select); 2171 bases downstream of the stop codon, C replaced by T.
Molecular consequence: 3 prime UTR variant.
Genome position (GRCh38, 1-based): chr19:47,842,138, C>T. VCF-style: chr19-47842138-C-T. GRCh37 (hg19) VCF-style: chr19-48345395-C-T.
Identifiers: ClinVar variation 329757 (VCV000329757.6), dbSNP rs77875912, ClinGen allele CA10652646.

ClinVar aggregate classification (germline): Benign. Review status: criteria provided, multiple submitters, no conflicts (2 of 4 stars). 4 submissions from 2 submitters: Benign (4). Last evaluated 2018-01-13.

Conditions:
Cone-rod dystrophy 2 (CORD2). Also called: CONE-ROD RETINAL DYSTROPHY; Cone-rod retinal dystrophy 2. Identifiers: Orphanet 1872, MedGen C3489532, MONDO:0007362, OMIM 120970.
Leber congenital amaurosis 7 (LCA7). Identifiers: Orphanet 65, MedGen C3151192, MONDO:0013449, OMIM 613829.
Retinitis pigmentosa (RP). Identifiers: Orphanet 791, MedGen C0035334, MeSH D012174, MONDO:0019200, OMIM 268000. Inheritance: Autosomal dominant, autosomal recessive and X linked inheritance.

Allele frequency attached by ClinVar (database versions not stated): 1000 Genomes Project 30x 0.07511; 1000 Genomes Project 0.07768; TOPMed 0.12095; gnomAD 0.12286; gnomAD exomes 0.18090.
gnomAD v4.1: 18,818 of 152,600 alleles (12%); highest among the groups gnomAD compares: Middle Eastern, 19%; 1,535 homozygotes.

Submissions (4):

Illumina Laboratory Services, Illumina
Classification: Benign for Cone-rod dystrophy 2. Last evaluated: 2018-01-13. Review status: criteria provided, single submitter. Criteria: ICSL Variant Classification Criteria 13 December 2019. Collection method: clinical testing. Allele origin: germline.
Comment: This variant was observed in the ICSL laboratory as part of a predisposition screen in an ostensibly healthy population. It had not been previously curated by ICSL or reported in the Human Gene Mutation Database (HGMD: prior to June 1st, 2018), and was therefore a candidate for classification through an automated scoring system. Utilizing variant allele frequency, disease prevalence and penetrance estimates, and inheritance mode, an automated score was calculated to assess if this variant is too frequent to cause the disease. Based on the score and internal cut-off values, a variant classified as benign is not then subjected to further curation. The score for this variant resulted in a classification of benign for this disease.

Illumina Laboratory Services, Illumina
Classification: Benign for Leber congenital amaurosis 7. Last evaluated: 2018-01-13. Review status: criteria provided, single submitter. Criteria: ICSL Variant Classification Criteria 13 December 2019. Collection method: clinical testing. Allele origin: germline.
Comment: the same text as in the submission from Illumina Laboratory Services, Illumina above.

Illumina Laboratory Services, Illumina
Classification: Benign for Retinitis pigmentosa. Last evaluated: 2018-01-13. Review status: criteria provided, single submitter. Criteria: ICSL Variant Classification Criteria 13 December 2019. Collection method: clinical testing. Allele origin: germline.
Comment: the same text as in the submission from Illumina Laboratory Services, Illumina above.

Breakthrough Genomics
Classification: Benign. Review status: criteria provided, single submitter. Criteria: ACMG Guidelines, 2015. Collection method: not provided. Allele origin: germline. Inheritance: Autosomal dominant inheritance. Affected: yes.